The following is an entry in ClinVar:

ClinVar aggregate classification (germline): Likely benign. Review status: criteria provided, multiple submitters, no conflicts (2 of 4 stars). 2 submissions from 2 submitters: Likely benign (2). Last evaluated 2024-05-01.

Conditions:
Epidermolysis bullosa simplex 5B, with muscular dystrophy (EBS5B). Also called: Epidermolysis bullosa simplex with muscular dystrophy; EPIDERMOLYSIS BULLOSA SIMPLEX AND LIMB-GIRDLE MUSCULAR DYSTROPHY. Identifiers: Orphanet 257, MedGen C2931072, MONDO:0009181, OMIM 226670.
Epidermolysis bullosa simplex 5C, with pyloric atresia (EBS5C). Also called: PLEC-Related Epidermolysis Bullosa with Pyloric Atresia; Epidermolysis bullosa simplex with pyloric atresia; PLEC1-Related Epidermolysis Bullosa with Pyloric Atresia. Identifiers: Orphanet 158684, MedGen C2677349, MONDO:0012807, OMIM 612138.
Epidermolysis bullosa simplex with nail dystrophy (EBS5D). Identifiers: MedGen C4225309, MONDO:0014661, OMIM 616487.
Epidermolysis bullosa simplex, Ogna type (EBS5A). Also called: Pidermolysis bullosa simplex 5A, Ogna type; EPIDERMOLYSIS BULLOSA SIMPLEX 5A, OGNA TYPE. Identifiers: Orphanet 79401, MedGen C0432317, MONDO:0007555, OMIM 131950.
Autosomal recessive limb-girdle muscular dystrophy type 2Q (LGMDR17). Also called: MUSCULAR DYSTROPHY, LIMB-GIRDLE, AUTOSOMAL RECESSIVE 17. Identifiers: Orphanet 254361, MedGen C3150989, MONDO:0013390, OMIM 613723.

gnomAD v4.1: 13 of 1,602,402 alleles (0.00081%); highest among the groups gnomAD compares: Middle Eastern, 0.082%; 1 homozygote.

Submissions (2):

CeGaT Center for Human Genetics Tuebingen
Classification: Likely benign. Last evaluated: 2024-05-01. Review status: criteria provided, single submitter. Criteria: CeGaT Center For Human Genetics Tuebingen Variant Classification Criteria Version 2. Collection method: clinical testing. Allele origin: germline. Affected: yes. Observed: 1 variant allele.
Comment: PLEC: BP4, BP7

Labcorp Genetics (formerly Invitae), Labcorp
Classification: Likely benign for Autosomal recessive limb-girdle muscular dystrophy type 2Q; Epidermolysis bullosa simplex, Ogna type; Epidermolysis bullosa simplex with nail dystrophy; Epidermolysis bullosa simplex 5C, with pyloric atresia; Epidermolysis bullosa simplex 5B, with muscular dystrophy. Last evaluated: 2023-11-12. Review status: criteria provided, single submitter. Criteria: Invitae Variant Classification Sherloc (09022015). Collection method: clinical testing. Allele origin: germline.

NM_201384.3(PLEC):c.6759A>C (p.Ala2253=)

Gene: PLEC (plectin; minus strand). Cytogenetic location: 8q24.3.
Variant type: single nucleotide variant.
Coding change: c.6759A>C on transcript NM_201384.3 (MANE Select); coding-DNA position 6759, A replaced by C.
Protein change: p.Ala2253=; no amino-acid change (alanine 2253 retained).
Molecular consequence: synonymous variant. On other transcripts: intron variant (1).
Genome position (GRCh38, 1-based): chr8:143,923,170, T>G on the plus strand (A>C on the coding strand, the complement: PLEC is on the minus strand). VCF-style: chr8-143923170-T-G. GRCh37 (hg19) VCF-style: chr8-144997338-T-G.
Other names: c.6840A>C, p.Ala2280= (NM_000445.5); c.6717A>C, p.Ala2239= (NM_201378.4); c.6693A>C, p.Ala2231= (NM_201379.3); c.7170A>C, p.Ala2390= (NM_201380.4); c.6663A>C, p.Ala2221= (NM_201381.3); c.6759A>C, p.Ala2253= (NM_201382.4); c.6771A>C, p.Ala2257= (NM_201383.3); c.4126-775A>C (NM_001410941.1).
Identifiers: ClinVar variation 2052374 (VCV002052374.23), dbSNP rs201054298, ClinGen allele CA463533682.